The following is an entry in ClinVar:

ClinVar aggregate classification (germline): Uncertain significance (1 of 4 stars; one submission).

Conditions:
Mucopolysaccharidosis, MPS-IV-A (MPS4A). Also called: Mucopolysaccharidosis type IV A; Mucopolysaccharidosis Type IVA; Morquio syndrome A, mild; MORQUIO SYNDROME A; MPS IVA; mucopolysaccharidosis type 4A. Identifiers: Orphanet 309297, Orphanet 582, MedGen C0086651, MONDO:0009659, OMIM 253000.

Submission:

Laboratory of Diagnosis and Therapy of Lysosomal Disorders, University of Padova
Classification: Uncertain significance for Mucopolysaccharidosis, MPS-IV-A. Last evaluated: 2021-02-01. Review status: criteria provided, single submitter. Criteria: ACMG Guidelines, 2015. Collection method: curation. Allele origin: germline. Affected: yes.
Comment: In vitro functional studies supportive of a damaging effect on the gene product (low in vitro enzymatic activity; PS3_supporting); absent from gnomAD v2.1.1 (PM2_moderate); multiple lines of computational evidence support a deleterious effect on the gene (PP3_supporting)

Literature cited by the submitters: PubMed 7795586; PubMed 34387910.

NM_000512.5(GALNS):c.1030G>A (p.Asp344Asn)

Gene: GALNS (galactosamine (N-acetyl)-6-sulfatase; minus strand). Cytogenetic location: 16q24.3.
Variant type: single nucleotide variant.
Coding change: c.1030G>A on transcript NM_000512.5 (MANE Select); coding-DNA position 1030, G replaced by A.
Protein change: p.Asp344Asn; replaces aspartic acid 344 with asparagine.
Molecular consequence: missense variant.
Genome position (GRCh38, 1-based): chr16:88,826,811, C>T on the plus strand (G>A on the coding strand, the complement: GALNS is on the minus strand). VCF-style: chr16-88826811-C-T. GRCh37 (hg19) VCF-style: chr16-88893219-C-T.
Other names: c.475G>A, p.Asp159Asn (NM_001323543.2); c.1048G>A, p.Asp350Asn (NM_001323544.2); short protein forms D159N, D344N, D350N.
Identifiers: ClinVar variation 1048438 (VCV001048438.3), dbSNP rs2142995864, ClinGen allele CA397098592.